The following is an entry in ClinVar:

ClinVar aggregate classification (germline): Benign. Review status: criteria provided, multiple submitters, no conflicts (2 of 4 stars). 2 submissions from 2 submitters: Benign (2). Last evaluated 2018-01-13.

Conditions:
White sponge nevus 1. Also called: LEUKOKERATOSIS, HEREDITARY MUCOSAL. Identifiers: MedGen C4011926, MONDO:0008676, OMIM 193900.

Allele frequency attached by ClinVar (database versions not stated): gnomAD 0.00006; TOPMed 0.00010; 1000 Genomes Project 30x 0.00031; 1000 Genomes Project 0.00040; gnomAD exomes 0.00047; ExAC 0.00051.

Submissions (2):

Illumina Laboratory Services, Illumina
Classification: Benign for White sponge nevus 1. Last evaluated: 2018-01-13. Review status: criteria provided, single submitter. Criteria: ICSL Variant Classification Criteria 13 December 2019. Collection method: clinical testing. Allele origin: germline.
Comment: This variant was observed in the ICSL laboratory as part of a predisposition screen in an ostensibly healthy population. It had not been previously curated by ICSL or reported in the Human Gene Mutation Database (HGMD: prior to June 1st, 2018), and was therefore a candidate for classification through an automated scoring system. Utilizing variant allele frequency, disease prevalence and penetrance estimates, and inheritance mode, an automated score was calculated to assess if this variant is too frequent to cause the disease. Based on the score and internal cut-off values, a variant classified as benign is not then subjected to further curation. The score for this variant resulted in a classification of benign for this disease.

Breakthrough Genomics
Classification: Benign. Review status: criteria provided, single submitter. Criteria: ACMG Guidelines, 2015. Collection method: not provided. Allele origin: germline. Inheritance: Autosomal dominant inheritance. Affected: yes.

NM_002272.4(KRT4):c.-51G>A

Gene: KRT4 (keratin 4; minus strand). Cytogenetic location: 12q13.13.
Variant type: single nucleotide variant.
Coding change: c.-51G>A on transcript NM_002272.4 (MANE Select); 51 bases upstream of the start codon, G replaced by A.
Molecular consequence: 5 prime UTR variant.
Genome position (GRCh38, 1-based): chr12:52,814,109, C>T on the plus strand (G>A on the coding strand, the complement: KRT4 is on the minus strand). VCF-style: chr12-52814109-C-T. GRCh37 (hg19) VCF-style: chr12-53207893-C-T.
Identifiers: ClinVar variation 309715 (VCV000309715.6), dbSNP rs531951809, ClinGen allele CA6588882.
Genomic context (GRCh38, chr12:52,814,109, plus strand): 5'-TGGCAATCATGGCTGCAGAGAGCGAGCTGGGAGCTATCAGAGAAGTGACAGGGCCCAGGC[C>T]GGTGAGTGCTGGAGCCCTCAGCCTTCGTCTCTTATATGTCCTGGAGCAGCAGGGCTTGGT-3'